The following is an entry in ClinVar:

ClinVar aggregate classification (germline): Likely benign (1 of 4 stars; one submission).

Submission:

CeGaT Center for Human Genetics Tuebingen
Classification: Likely benign. Last evaluated: 2022-11-01. Review status: criteria provided, single submitter. Criteria: CeGaT Center For Human Genetics Tuebingen Variant Classification Criteria Version 2. Collection method: clinical testing. Allele origin: germline. Affected: yes. Observed: 1 variant allele.
Comment: SHANK3: PP2, BS2

NC_000022.11:g.50697558T>C

Gene: SHANK3 (SH3 and multiple ankyrin repeat domains 3; plus strand). Cytogenetic location: 22q13.33.
Variant type: single nucleotide variant.
Genome position: GRCh38 VCF-style: chr22-50697558-T-C. GRCh37 (hg19) VCF-style: chr22-51135986-T-C.
Identifiers: ClinVar variation 2653415 (VCV002653415.24), dbSNP rs1469966522, ClinGen allele CA515254821.